The following is an entry in ClinVar:

NM_002485.5(NBN):c.1915-8C>T

Gene: NBN (nibrin; minus strand). Cytogenetic location: 8q21.3.
Variant type: single nucleotide variant.
Coding change: c.1915-8C>T on transcript NM_002485.5 (MANE Select); 8 bases into the intron before coding-DNA position 1915, C replaced by T.
Molecular consequence: intron variant.
Genome position (GRCh38, 1-based): chr8:89,946,303, G>A on the plus strand (C>T on the coding strand, the complement: NBN is on the minus strand). VCF-style: chr8-89946303-G-A. GRCh37 (hg19) VCF-style: chr8-90958531-G-A.
Other names: c.1669-8C>T (NM_001024688.3).
Identifiers: ClinVar variation 488774 (VCV000488774.14), dbSNP rs368132097, ClinGen allele CA4802640.

ClinVar aggregate classification (germline): Conflicting classifications of pathogenicity. Review status: criteria provided, conflicting classifications (1 of 4 stars). 4 submissions from 4 submitters: Uncertain significance (2); Likely benign (2). Last evaluated 2023-05-28.

Conditions:
Hereditary cancer-predisposing syndrome. Also called: Tumor predisposition; Neoplastic Syndromes, Hereditary; Hereditary Cancer Syndrome; Hereditary neoplastic syndrome. Identifiers: Orphanet 140162, MedGen C0027672, MeSH D009386, MONDO:0015356.
Microcephaly, normal intelligence and immunodeficiency (NBS). Also called: BERLIN BREAKAGE SYNDROME; Ataxia telangiectasia variant V1; IMMUNODEFICIENCY, MICROCEPHALY, AND CHROMOSOMAL INSTABILITY; SEEMANOVA SYNDROME II; Immunodeficiency, microcephaly with normal intelligence; Nijmegen breakage syndrome. Identifiers: Orphanet 647, MedGen C0398791, MONDO:0009623, OMIM 251260.

Allele frequency attached by ClinVar (database versions not stated): ExAC 0.00002; ESP Exome Variant Server 0.00008; gnomAD exomes 0.00001 and below 0.00001.
gnomAD v4.1: 5 of 1,568,074 alleles (0.00032%); highest among the groups gnomAD compares: South Asian, 0.0033%; 1 homozygote.

Submissions (4):

Labcorp Genetics (formerly Invitae), Labcorp
Classification: Likely benign for Microcephaly, normal intelligence and immunodeficiency. Last evaluated: 2023-05-28. Review status: criteria provided, single submitter. Criteria: Invitae Variant Classification Sherloc (09022015). Collection method: clinical testing. Allele origin: germline.

Genome-Nilou Lab
Classification: Uncertain significance for Microcephaly, normal intelligence and immunodeficiency. Last evaluated: 2021-11-07. Review status: criteria provided, single submitter. Criteria: ACMG Guidelines, 2015. Collection method: clinical testing. Allele origin: germline. Affected: no.

Sema4
Classification: Likely benign for Hereditary cancer-predisposing syndrome. Last evaluated: 2021-08-23. Review status: criteria provided, single submitter. Criteria: Sema4 Curation Guidelines. Collection method: curation. Allele origin: germline.

GeneDx
Classification: Uncertain significance. Last evaluated: 2017-10-27. Review status: criteria provided, single submitter. Criteria: GeneDx Variant Classification (06012015). Collection method: clinical testing. Allele origin: germline. Affected: yes.
Comment: This variant is denoted NBN c.1915-8C>T or IVS12-8C>T and consists of a C>T nucleotide substitutionat the -8 position of intron 12 of the NBN gene. In silico splicing models are uninformative; therefore, in the absence ofRNA or functional studies, the actual effect of this variant is unknown. This variant has not, to our knowledge, beenpublished in the literature as pathogenic or benign. This variant was not observed at a significant allele frequency inlarge population cohorts (Lek 2016). The cytosine (C) nucleotide that is altered is not conserved. Based on currentlyavailable information, it is unclear whether NBN c.1915-8C>T is pathogenic or benign. We consider it to be a variant ofuncertain significance.